The following is an entry in ClinVar:

ClinVar aggregate classification (germline): Conflicting classifications of pathogenicity. Review status: criteria provided, conflicting classifications (1 of 4 stars). 4 submissions from 4 submitters: Uncertain significance (3); Likely benign (1). Last evaluated 2026-09-24.

Conditions:
TTN-related disorder. Also called: TTN-related condition; TTN-related disease; TTN-related disorders.
Cardiovascular phenotype. Identifiers: MedGen CN230736.
Autosomal recessive limb-girdle muscular dystrophy type 2J (LGMDR10). Also called: Limb-girdle muscular dystrophy, type 2J; MUSCULAR DYSTROPHY, LIMB-GIRDLE, AUTOSOMAL RECESSIVE 10. Identifiers: Orphanet 140922, MedGen C1837342, MONDO:0012127, OMIM 608807.
Dilated cardiomyopathy 1G (CMD1G). Identifiers: Orphanet 154, MedGen C1858763, MONDO:0011400, OMIM 604145.

Allele frequency attached by ClinVar (database versions not stated): gnomAD exomes below 0.00001 and 0.00001; ExAC 0.00001; gnomAD 0.00002 and 0.00003; TOPMed 0.00002; 1000 Genomes Project 30x 0.00016; 1000 Genomes Project 0.00020.

Submissions (4):

PreventionGenetics, part of Exact Sciences
Classification: Uncertain significance for TTN-related condition. Last evaluated: 2026-09-24. Review status: criteria provided, single submitter. Criteria: ACMG Guidelines, 2015. Collection method: clinical testing. Allele origin: germline.
Comment: The TTN c.101327C>T variant is predicted to result in the amino acid substitution p.Pro33776Leu. To our knowledge, this variant has not been reported in the literature. This variant is reported in 0.013% of alleles in individuals of African descent in gnomAD. At this time, the clinical significance of this variant is uncertain due to the absence of conclusive functional and genetic evidence.

Women's Health and Genetics/Laboratory Corporation of America, LabCorp
Classification: Uncertain significance. Last evaluated: 2025-07-16. Review status: criteria provided, single submitter. Criteria: LabCorp Variant Classification Summary - May 2015. Collection method: clinical testing. Allele origin: germline.
Comment: Variant summary: TTN NM_133378: c.93623C>T (p.Pro31208Leu), also known as NM_001267550:c.101327C>T (p.Pro33776Leu) results in a non-conservative amino acid change in the encoded protein sequence. Algorithms developed to predict the effect of missense changes on protein structure and function are either unavailable or do not agree on the potential impact of this missense change. The variant allele was found at a frequency of 8e-06 in 249054 control chromosomes. The available data on variant occurrences in the general population are insufficient to allow any conclusion about variant significance. To our knowledge, no occurrence of c.93623C>T in individuals affected with Autosomal Recessive Titinopathy and no experimental evidence demonstrating its impact on protein function have been reported. ClinVar contains an entry for this variant (Variation ID: 953135). Based on the evidence outlined above, the variant was classified as uncertain significance.

Labcorp Genetics (formerly Invitae), Labcorp
Classification: Uncertain significance for Dilated cardiomyopathy 1G; Autosomal recessive limb-girdle muscular dystrophy type 2J. Last evaluated: 2024-04-10. Review status: criteria provided, single submitter. Criteria: Invitae Variant Classification Sherloc (09022015). Collection method: clinical testing. Allele origin: germline.
Comment: This sequence change replaces proline, which is neutral and non-polar, with leucine, which is neutral and non-polar, at codon 33776 of the TTN protein (p.Pro33776Leu). This variant is present in population databases (rs536357517, gnomAD 0.01%). This variant has not been reported in the literature in individuals affected with TTN-related conditions. ClinVar contains an entry for this variant (Variation ID: 953135). Experimental studies and prediction algorithms are not available or were not evaluated, and the functional significance of this variant is currently unknown. This variant is located in the M band of TTN (PMID: 25589632). Non-truncating variants in this region may be relevant for neuromuscular disorders, but have not been definitively shown to cause cardiomyopathy (PMID: 23975875). In summary, the available evidence is currently insufficient to determine the role of this variant in disease. Therefore, it has been classified as a Variant of Uncertain Significance.

Ambry Genetics
Classification: Likely benign for Cardiovascular phenotype. Last evaluated: 2020-09-28. Review status: criteria provided, single submitter. Criteria: Ambry Variant Classification Scheme 2023. Collection method: clinical testing. Allele origin: germline.

Literature cited by the submitters: PubMed 25589632 (cited by Labcorp Genetics (formerly Invitae), Labcorp); PubMed 23975875 (cited by Labcorp Genetics (formerly Invitae), Labcorp).

NM_001267550.2(TTN):c.101327C>T (p.Pro33776Leu)

Genes: TTN (titin; minus strand), TTN-AS1 (TTN antisense RNA 1; plus strand). Cytogenetic location: 2q31.2.
Variant type: single nucleotide variant.
Coding change: c.101327C>T on transcript NM_001267550.2 (MANE Select); coding-DNA position 101327, C replaced by T.
Protein change: p.Pro33776Leu; replaces proline 33776 with leucine.
Molecular consequence: missense variant.
Genome position (GRCh38, 1-based): chr2:178,535,288, G>A on the plus strand (C>T on the coding strand, the complement: TTN is on the minus strand). VCF-style: chr2-178535288-G-A. GRCh37 (hg19) VCF-style: chr2-179400015-G-A.
Other names: c.96404C>T, p.Pro32135Leu (NM_001256850.1); c.74132C>T, p.Pro24711Leu (NM_003319.4); c.93623C>T, p.Pro31208Leu (NM_133378.4); c.74507C>T, p.Pro24836Leu (NM_133432.3); c.74708C>T, p.Pro24903Leu (NM_133437.4); short protein forms P24711L, P24836L, P31208L, P24903L, P32135L, P33776L.
Identifiers: ClinVar variation 953135 (VCV000953135.12), dbSNP rs536357517, ClinGen allele CA1985900.
Genomic context (GRCh38, chr2:178,535,288, plus strand): 5'-ACCTCTTCATCATAGTTCATAGCTCTGGTCTTATCTTCTTTGGTTATGGTTGGTTCTGAA[G>A]GCTCTGAAGGCTTGCTCAGACCAAATTTATTTTCAGCTATTACCCGGAACTGGTAACTTG-3'
Protein context (NP_001254479.2, residues 33766-33786): NKFGLSKPSE[Pro33776Leu]SEPTITKEDK